The following is an entry in ClinVar:

NM_016213.5(TRIP4):c.472C>T (p.Gln158Ter)

Gene: TRIP4 (thyroid hormone receptor interactor 4; plus strand). Cytogenetic location: 15q22.31.
Variant type: single nucleotide variant.
Coding change: c.472C>T on transcript NM_016213.5 (MANE Select); coding-DNA position 472, C replaced by T.
Protein change: p.Gln158Ter; replaces glutamine 158 with a stop codon.
Molecular consequence: nonsense. On other transcripts: 5 prime UTR variant (1), non-coding transcript variant (1).
Genome position (GRCh38, 1-based): chr15:64,397,672, C>T. VCF-style: chr15-64397672-C-T. GRCh37 (hg19) VCF-style: chr15-64689871-C-T.
Other names: c.-219C>T (NM_001321924.2); short protein forms Q158*.
Identifiers: ClinVar variation 2122425 (VCV002122425.4), dbSNP rs2505410580, ClinGen allele CA392818653.

ClinVar aggregate classification (germline): Pathogenic (1 of 4 stars; one submission).

Allele frequency attached by ClinVar (database versions not stated): gnomAD exomes below 0.00001.
gnomAD v4.1: 2 of 1,614,204 alleles (0.00012%); highest among the groups gnomAD compares: African/African-American, 0.0013%; no homozygotes.

Submission:

Labcorp Genetics (formerly Invitae), Labcorp
Classification: Pathogenic. Last evaluated: 2024-02-23. Review status: criteria provided, single submitter. Criteria: Invitae Variant Classification Sherloc (09022015). Collection method: clinical testing. Allele origin: germline.
Comment: This sequence change creates a premature translational stop signal (p.Gln158*) in the TRIP4 gene. It is expected to result in an absent or disrupted protein product. Loss-of-function variants in TRIP4 are known to be pathogenic (PMID: 26924529, 27008887). This variant is not present in population databases (gnomAD no frequency). This variant has not been reported in the literature in individuals affected with TRIP4-related conditions. ClinVar contains an entry for this variant (Variation ID: 2122425). For these reasons, this variant has been classified as Pathogenic.

Literature cited by the submitters: PubMed 26924529; PubMed 27008887.